The following is an entry in ClinVar:

NM_001035.3(RYR2):c.12913T>C (p.Phe4305Leu)

Genes: RYR2 (ryanodine receptor 2; plus strand), LOC126806068 (BRD4-independent group 4 enhancer GRCh37_chr1:237947411-237948610; plus strand). Cytogenetic location: 1q43.
Variant type: single nucleotide variant.
Coding change: c.12913T>C on transcript NM_001035.3 (MANE Select); coding-DNA position 12913, T replaced by C.
Protein change: p.Phe4305Leu; replaces phenylalanine 4305 with leucine.
Molecular consequence: missense variant.
Genome position (GRCh38, 1-based): chr1:237,784,625, T>C. VCF-style: chr1-237784625-T-C. GRCh37 (hg19) VCF-style: chr1-237947925-T-C.
Other names: short protein forms F4305L.
Identifiers: ClinVar variation 1442730 (VCV001442730.8), dbSNP rs1477602829, ClinGen allele CA345414677.

ClinVar aggregate classification (germline): Uncertain significance. Review status: criteria provided, multiple submitters, no conflicts (2 of 4 stars). 2 submissions from 2 submitters: Uncertain significance (2). Last evaluated 2025-03-05.

Conditions:
Catecholaminergic polymorphic ventricular tachycardia (CVPT). Also called: Catecholamine-induced polymorphic ventricular tachycardia. Identifiers: Orphanet 3286, MedGen C5574922, MONDO:0017990.
Catecholaminergic polymorphic ventricular tachycardia 1. Also called: VENTRICULAR TACHYCARDIA, STRESS-INDUCED POLYMORPHIC 1; VENTRICULAR TACHYCARDIA, CATECHOLAMINERGIC POLYMORPHIC, 1, WITH OR WITHOUT ATRIAL DYSFUNCTION AND/OR DILATED CARDIOMYOPATHY; RYR2-Related Catecholaminergic Polymorphic Ventricular Tachycardia. Identifiers: Orphanet 3286, MedGen C1631597, MONDO:0011484, OMIM 604772.

Allele frequency attached by ClinVar (database versions not stated): gnomAD 0.00001; gnomAD exomes 0.00001; TOPMed 0.00001.
gnomAD v4.1: 8 of 1,613,602 alleles (0.0005%); highest among the groups gnomAD compares: Middle Eastern, 0.016%; no homozygotes.

Submissions (2):

Labcorp Genetics (formerly Invitae), Labcorp
Classification: Uncertain significance for Catecholaminergic polymorphic ventricular tachycardia 1. Last evaluated: 2025-03-05. Review status: criteria provided, single submitter. Criteria: Invitae Variant Classification Sherloc (09022015). Collection method: clinical testing. Allele origin: germline.
Comment: This sequence change replaces phenylalanine, which is neutral and non-polar, with leucine, which is neutral and non-polar, at codon 4305 of the RYR2 protein (p.Phe4305Leu). This variant is not present in population databases (gnomAD no frequency). This variant has not been reported in the literature in individuals affected with RYR2-related conditions. ClinVar contains an entry for this variant (Variation ID: 1442730). Invitae Evidence Modeling of protein sequence and biophysical properties (such as structural, functional, and spatial information, amino acid conservation, physicochemical variation, residue mobility, and thermodynamic stability) indicates that this missense variant is not expected to disrupt RYR2 protein function with a negative predictive value of 95%. In summary, the available evidence is currently insufficient to determine the role of this variant in disease. Therefore, it has been classified as a Variant of Uncertain Significance.

All of Us Research Program, National Institutes of Health
Classification: Uncertain significance for Catecholaminergic polymorphic ventricular tachycardia. Last evaluated: 2023-08-15. Review status: criteria provided, single submitter. Criteria: ACMG Guidelines, 2015. Collection method: clinical testing. Allele origin: germline. Inheritance: Autosomal dominant inheritance. Observed: 1 variant allele, 1 heterozygote.
Comment: This missense variant replaces phenylalanine with leucine at codon 4305 of the RYR2 protein. Computational prediction suggests that this variant may not impact protein structure and function (internally defined REVEL score threshold <= 0.5, PMID: 27666373). To our knowledge, functional studies have not been reported for this variant. This variant has not been reported in individuals affected with RYR2-related disorders in the literature. This variant has not been identified in the general population by the Genome Aggregation Database (gnomAD). The available evidence is insufficient to determine the role of this variant in disease conclusively. Therefore, this variant is classified as a Variant of Uncertain Significance.

This study involves interpretation of variants in research participants for the purpose of population health screening. Participant phenotype was not available at the time of variant classification. Additional details can be found in publication PMID: 35346344, PMCID: PMC8962531